The following is an entry in ClinVar:

ClinVar aggregate classification (germline): Likely pathogenic (1 of 4 stars; one submission).

Conditions:
Dilated cardiomyopathy 1DD (CMD1DD). Identifiers: Orphanet 154, MedGen C2750995, MONDO:0013168, OMIM 613172.

gnomAD v4.1: 1 of 1,549,518 alleles (0.000065%); highest among the groups gnomAD compares: South Asian, 0.0012%; no homozygotes.

Submission:

Labcorp Genetics (formerly Invitae), Labcorp
Classification: Likely pathogenic for Dilated cardiomyopathy 1DD. Last evaluated: 2025-11-21. Review status: criteria provided, single submitter. Criteria: Invitae Variant Classification Sherloc (09022015). Collection method: clinical testing. Allele origin: germline.
Comment: This sequence change affects an acceptor splice site in intron 3 of the RBM20 gene. It is expected to disrupt RNA splicing. Variants that disrupt the donor or acceptor splice site typically lead to a loss of protein function (PMID: 16199547), and loss-of-function variants in RBM20 are known to be pathogenic (PMID: 20590677, 22004663, 38288598, 38510713, 40339755). This variant is present in population databases (no rsID available, gnomAD 0.004%). Disruption of this splice site has been observed in individual(s) with cardiac arrest and/or hypertrophic cardiomyopathy (PMID: 34333030, 35352813). Algorithms developed to predict the effect of sequence changes on RNA splicing suggest that this variant may disrupt the consensus splice site. In summary, the currently available evidence indicates that the variant is pathogenic, but additional data are needed to prove that conclusively. Therefore, this variant has been classified as Likely Pathogenic.

Literature cited by the submitters: PubMed 16199547; PubMed 20590677; PubMed 22004663; PubMed 38288598; PubMed 38510713; PubMed 40339755; PubMed 34333030; PubMed 35352813.

NM_001134363.3(RBM20):c.1338-2A>G

Gene: RBM20 (RNA binding motif protein 20; plus strand). Cytogenetic location: 10q25.2.
Variant type: single nucleotide variant.
Coding change: c.1338-2A>G on transcript NM_001134363.3 (MANE Select); the canonical splice acceptor site of the intron before coding-DNA position 1338, A replaced by G.
Molecular consequence: splice acceptor variant.
Genome position (GRCh38, 1-based): chr10:110,784,339, A>G. VCF-style: chr10-110784339-A-G. GRCh37 (hg19) VCF-style: chr10-112544097-A-G.
Identifiers: ClinVar variation 4703895 (VCV004703895.1).
Genomic context (GRCh38, chr10:110,784,339, plus strand): 5'-TCACATGCTAATTCTTTGTTTAACTTATTAAGGAGCCGGTTTCCCTTTCTCGCCCTCTCC[A>G]GTGCTGGCATCCGGTGTATACTTGGTTCGGCAGAGGGAACATTGTGTGCTTCTCCCAACA-3'